The following is an entry in ClinVar:

ClinVar aggregate classification (germline): Conflicting classifications of pathogenicity. Review status: criteria provided, conflicting classifications (1 of 4 stars). 3 submissions from 3 submitters: Pathogenic (1); Likely pathogenic (1); Uncertain significance (1). Last evaluated 2024-12-16.

Conditions:
Male infertility with spermatogenesis disorder. Identifiers: Orphanet 399775, MedGen C5681167, MONDO:0018391.

Submissions (3):

GeneDx
Classification: Uncertain significance. Last evaluated: 2024-12-16. Review status: criteria provided, single submitter. Criteria: GeneDx Variant Classification Process June 2021. Collection method: clinical testing. Allele origin: germline. Affected: yes.
Comment: Frameshift variant predicted to result in protein truncation or nonsense mediated decay in a gene for which loss of function is a known mechanism of disease; Has not been previously published as pathogenic or benign to our knowledge

Laboratory for Molecular Medicine, Mass General Brigham Personalized Medicine
Classification: Likely pathogenic for Male infertility with spermatogenesis disorder. Last evaluated: 2023-10-17. Review status: criteria provided, single submitter. Criteria: ACMG Guidelines, 2015. Collection method: clinical testing. Allele origin: germline. Inheritance: Autosomal recessive inheritance.
Comment: The p.Asp619ThrfsX7 variant in DNHD1 has not been previously been identified in the literature in individuals with asthenoteratozoospermia but has been reported by other clinical laboratories in ClinVar (Variation ID 2203279). It has also been identified in 0.08% (34/41422) of African chromosomes by gnomAD (v.3.1.2). This variant is predicted to cause a frameshift, which alters the protein’s amino acid sequence beginning at position 619 and leads to a premature termination codon 7 amino acids downstream. This alteration is then predicted to lead to a truncated or absent protein. Loss of function variants in DNHD1 gene have been reported in individuals with autosomal recessive asthenoteratozoospermia (Tan 2022 PMID: 34932939, Martinez 2023 PMID: 36768883). Additionally, knockout mouse models have shown that mice without DNHD1 had infertility with decreased sperm concentration and motility rate and abnormal sperm flagella, recapitulating the human phenotype (Tan 2022 PMID: 34932939). Additionally, DNHD1 was absent in the flagella of individuals with asthenoteratozoospermia (Tan 2022 PMID: 34932939, Martinez 2023 PMID: 36768883). In summary, although additional studies are required to fully establish its clinical significance, this variant meets criteria to be classified as likely pathogenic for autosomal recessive asthenoteratozoospermia. ACMG/AMP Criteria applied: PVS1, PM2_Supporting.

Labcorp Genetics (formerly Invitae), Labcorp
Classification: Pathogenic. Last evaluated: 2022-06-28. Review status: criteria provided, single submitter. Criteria: Invitae Variant Classification Sherloc (09022015). Collection method: clinical testing. Allele origin: germline.
Comment: This sequence change creates a premature translational stop signal (p.Asp619Thrfs*7) in the DNHD1 gene. It is expected to result in an absent or disrupted protein product. Loss-of-function variants in DNHD1 are known to be pathogenic (PMID: 34932939). This variant is present in population databases (rs750156561, gnomAD 0.07%). This variant has not been reported in the literature in individuals affected with DNHD1-related conditions. Algorithms developed to predict the effect of sequence changes on RNA splicing suggest that this variant may disrupt the consensus splice site. For these reasons, this variant has been classified as Pathogenic.

Literature cited by the submitters: PubMed 34932939 (cited by Laboratory for Molecular Medicine, Mass General Brigham Personalized Medicine and Labcorp Genetics (formerly Invitae), Labcorp); PubMed 36768883 (cited by Laboratory for Molecular Medicine, Mass General Brigham Personalized Medicine).

NM_144666.3(DNHD1):c.1855del (p.Asp619fs)

Gene: DNHD1 (dynein heavy chain domain 1; plus strand). Cytogenetic location: 11p15.4.
Variant type: Deletion.
Coding change: c.1855del on transcript NM_144666.3 (MANE Select); coding-DNA position 1855, one base deleted (G; older notation c.1855delG).
Protein change: p.Asp619fs; shifts the reading frame from aspartic acid 619.
Molecular consequence: frameshift variant.
Genome position (GRCh38, 1-based): chr11:6,528,539, G deleted; the last of 2 consecutive G bases (chr11:6,528,538-6,528,539); deleting either gives the same sequence. VCF-style (leftmost placement, unchanged base first): chr11-6528537-AG-A. GRCh37 (hg19) VCF-style: chr11-6549767-AG-A.
Other names: c.1855del (NM_144666.2); short protein forms D619fs.
Identifiers: ClinVar variation 2203279 (VCV002203279.3), dbSNP rs750156561, ClinGen allele CA5855722.